The following is an entry in ClinVar:

ClinVar aggregate classification (germline): Benign. Review status: criteria provided, multiple submitters, no conflicts (2 of 4 stars). 3 submissions from 3 submitters: Benign (2). 1 of the submissions does not count toward it. Last evaluated 2026-01-18.

Conditions:
LRRK1-related disorder. Also called: LRRK1-related condition.

Allele frequency attached by ClinVar (database versions not stated): gnomAD exomes 0.00215; ExAC 0.00260; ESP Exome Variant Server 0.00895; 1000 Genomes Project 0.00998; 1000 Genomes Project 30x 0.01109.
gnomAD v4.1: 2,463 of 1,605,956 alleles (0.15%); highest among the groups gnomAD compares: African/African-American, 2.7%; 36 homozygotes.

Submissions (3):

Labcorp Genetics (formerly Invitae), Labcorp
Classification: Benign. Last evaluated: 2026-01-18. Review status: criteria provided, single submitter. Criteria: Invitae Variant Classification Sherloc (09022015). Collection method: clinical testing. Allele origin: germline.

Breakthrough Genomics
Classification: Benign. Review status: criteria provided, single submitter. Criteria: ACMG Guidelines, 2015. Collection method: not provided. Allele origin: germline. Inheritance: Autosomal recessive inheritance. Affected: yes.

PreventionGenetics, part of Exact Sciences
Classification: Benign for LRRK1-related condition. Last evaluated: 2019-07-01. Review status: no assertion criteria provided. Collection method: clinical testing. Allele origin: germline. Not counted in ClinVar's aggregate classification.
Comment: This variant is classified as benign based on ACMG/AMP sequence variant interpretation guidelines (Richards et al. 2015 PMID: 25741868, with internal and published modifications).

NM_024652.6(LRRK1):c.3933G>A (p.Leu1311=)

Genes: LRRK1 (leucine rich repeat kinase 1; plus strand), LRRK1-AS1 (LRRK1 antisense RNA 1; minus strand). Cytogenetic location: 15q26.3.
Variant type: single nucleotide variant.
Coding change: c.3933G>A on transcript NM_024652.6 (MANE Select); coding-DNA position 3933, G replaced by A.
Protein change: p.Leu1311=; no amino-acid change (leucine 1311 retained).
Molecular consequence: synonymous variant.
Genome position (GRCh38, 1-based): chr15:101,053,299, G>A. VCF-style: chr15-101053299-G-A. GRCh37 (hg19) VCF-style: chr15-101593504-G-A.
Other names: c.3933G>A (NM_024652.5).
Identifiers: ClinVar variation 1561336 (VCV001561336.11), dbSNP rs78975797, ClinGen allele CA7761691.